The following is an entry in ClinVar:

ClinVar aggregate classification (germline): Uncertain significance (1 of 4 stars; one submission).

Conditions:
Amyotrophic lateral sclerosis type 12 (ALS12). Also called: AMYOTROPHIC LATERAL SCLEROSIS 12 WITH OR WITHOUT FRONTOTEMPORAL DEMENTIA. Identifiers: Orphanet 803, MedGen C3150692, MONDO:0013264, OMIM 613435.
Primary open angle glaucoma (POAG). Also called: OPTN-related open angle glaucoma. Identifiers: MedGen C0339573, MONDO:0100553, OMIM 137760.
Glaucoma 1, open angle, E. Identifiers: MedGen C1842026, MONDO:0007665.

gnomAD v4.1: 1 of 1,606,922 alleles (0.000062%); highest among the groups gnomAD compares: Non-Finnish European, 0.000085%; no homozygotes.

Submission:

Labcorp Genetics (formerly Invitae), Labcorp
Classification: Uncertain significance for Primary open angle glaucoma; Glaucoma 1, open angle, E; Amyotrophic lateral sclerosis type 12. Last evaluated: 2024-12-15. Review status: criteria provided, single submitter. Criteria: Invitae Variant Classification Sherloc (09022015). Collection method: clinical testing. Allele origin: germline.
Comment: This sequence change replaces glutamic acid, which is acidic and polar, with alanine, which is neutral and non-polar, at codon 187 of the OPTN protein (p.Glu187Ala). This variant is not present in population databases (gnomAD no frequency). This variant has not been reported in the literature in individuals affected with OPTN-related conditions. Invitae Evidence Modeling of protein sequence and biophysical properties (such as structural, functional, and spatial information, amino acid conservation, physicochemical variation, residue mobility, and thermodynamic stability) indicates that this missense variant is not expected to disrupt OPTN protein function with a negative predictive value of 80%. In summary, the available evidence is currently insufficient to determine the role of this variant in disease. Therefore, it has been classified as a Variant of Uncertain Significance.

NM_001008212.2(OPTN):c.560A>C (p.Glu187Ala)

Gene: OPTN (optineurin; plus strand). Cytogenetic location: 10p13.
Variant type: single nucleotide variant.
Coding change: c.560A>C on transcript NM_001008212.2 (MANE Select); coding-DNA position 560, A replaced by C.
Protein change: p.Glu187Ala; replaces glutamic acid 187 with alanine.
Molecular consequence: missense variant.
Genome position (GRCh38, 1-based): chr10:13,116,274, A>C. VCF-style: chr10-13116274-A-C. GRCh37 (hg19) VCF-style: chr10-13158274-A-C.
Other names: c.560A>C, p.Glu187Ala (NM_001008211.1, NM_001008213.1, NM_021980.4); short protein forms E187A.
Identifiers: ClinVar variation 3758080 (VCV003758080.2).